The following is an entry in ClinVar:

NM_004525.3(LRP2):c.11996T>G (p.Val3999Gly)

Gene: LRP2 (LDL receptor related protein 2; minus strand). Cytogenetic location: 2q31.1.
Variant type: single nucleotide variant.
Coding change: c.11996T>G on transcript NM_004525.3 (MANE Select); coding-DNA position 11996, T replaced by G.
Protein change: p.Val3999Gly; replaces valine 3999 with glycine.
Molecular consequence: missense variant.
Genome position (GRCh38, 1-based): chr2:169,157,394, A>C on the plus strand (T>G on the coding strand, the complement: LRP2 is on the minus strand). VCF-style: chr2-169157394-A-C. GRCh37 (hg19) VCF-style: chr2-170013904-A-C.
Other names: p.Val3999Gly; short protein forms V3999G.
Identifiers: ClinVar variation 129497 (VCV000129497.51), dbSNP rs79723119, ClinGen allele CA153545.

ClinVar aggregate classification (germline): Benign/Likely benign. Review status: criteria provided, multiple submitters, no conflicts (2 of 4 stars). 11 submissions from 11 submitters: Benign (6); Likely benign (2). 3 of the submissions do not count toward it. Last evaluated 2026-02-04.

Conditions:
Donnai-Barrow syndrome. Also called: FACIOOCULOACOUSTICORENAL SYNDROME; DBS/FOAR SYNDROME. Identifiers: Orphanet 2143, MedGen C1857277, MONDO:0009104, OMIM 222448.

Allele frequency attached by ClinVar (database versions not stated): 1000 Genomes Project 0.00419; 1000 Genomes Project 30x 0.00437; TOPMed 0.00740; gnomAD 0.00814 and 0.00834; gnomAD exomes 0.00833 and 0.01157; ESP Exome Variant Server 0.00846; ExAC 0.00887.
gnomAD v4.1: 18,107 of 1,613,220 alleles (1.1%); highest among the groups gnomAD compares: Non-Finnish European, 1.3%; 108 homozygotes.

Submissions (11):

Labcorp Genetics (formerly Invitae), Labcorp
Classification: Benign. Last evaluated: 2026-02-04. Review status: criteria provided, single submitter. Criteria: Invitae Variant Classification Sherloc (09022015). Collection method: clinical testing. Allele origin: germline.

CeGaT Center for Human Genetics Tuebingen
Classification: Benign. Last evaluated: 2024-12-01. Review status: criteria provided, single submitter. Criteria: CeGaT Center For Human Genetics Tuebingen Variant Classification Criteria Version 2. Collection method: clinical testing. Allele origin: germline. Affected: yes. Observed: 22 variant alleles.
Comment: LRP2: BP4, BS1, BS2

Blueprint Genetics
Classification: Likely benign. Last evaluated: 2024-11-26. Review status: criteria provided, single submitter. Criteria: ACMG Guidelines, 2015. Collection method: clinical testing. Allele origin: germline.

Mayo Clinic Laboratories, Mayo Clinic
Classification: Benign. Last evaluated: 2024-08-14. Review status: criteria provided, single submitter. Criteria: ACMG Guidelines, 2015. Collection method: clinical testing. Allele origin: germline. Observed: 4 variant alleles.
Comment: BS1, BS2, BP4

GeneDx
Classification: Likely benign. Last evaluated: 2022-08-22. Review status: criteria provided, single submitter. Criteria: GeneDx Variant Classification Process June 2021. Collection method: clinical testing. Allele origin: germline. Affected: yes.
Comment: See Variant Classification Assertion Criteria.

Genome-Nilou Lab
Classification: Benign for Donnai-Barrow syndrome. Last evaluated: 2021-07-15. Review status: criteria provided, single submitter. Criteria: ACMG Guidelines, 2015. Collection method: clinical testing. Allele origin: germline. Affected: no.

Illumina Laboratory Services, Illumina
Classification: Benign for Donnai-Barrow syndrome. Last evaluated: 2018-01-13. Review status: criteria provided, single submitter. Criteria: ICSL Variant Classification Criteria 13 December 2019. Collection method: clinical testing. Allele origin: germline.
Comment: This variant was observed in the ICSL laboratory as part of a predisposition screen in an ostensibly healthy population. It had not been previously curated by ICSL or reported in the Human Gene Mutation Database (HGMD: prior to June 1st, 2018), and was therefore a candidate for classification through an automated scoring system. Utilizing variant allele frequency, disease prevalence and penetrance estimates, and inheritance mode, an automated score was calculated to assess if this variant is too frequent to cause the disease. Based on the score and internal cut-off values, a variant classified as benign is not then subjected to further curation. The score for this variant resulted in a classification of benign for this disease.

Breakthrough Genomics
Classification: Benign. Review status: criteria provided, single submitter. Criteria: ACMG Guidelines, 2015. Collection method: not provided. Allele origin: germline. Inheritance: Autosomal recessive inheritance. Affected: yes.

Diagnostic Laboratory, Department of Genetics, University Medical Center Groningen
Classification: Benign for Donnai-Barrow syndrome. Review status: no assertion criteria provided. Collection method: clinical testing. Allele origin: germline. Affected: yes. Study: VKGL Data-share Consensus. Not counted in ClinVar's aggregate classification.

Genetic Services Laboratory, University of Chicago
Classification: Likely benign for AllHighlyPenetrant. Review status: no assertion criteria provided. Collection method: clinical testing. Allele origin: germline. Inheritance: Autosomal recessive inheritance. Not counted in ClinVar's aggregate classification.
Comment: Likely benign based on allele frequency in 1000 Genomes Project or ESP global frequency and its presence in a patient with a rare or unrelated disease phenotype. NOT Sanger confirmed.

Genome Diagnostics Laboratory, University Medical Center Utrecht
Classification: Benign. Review status: no assertion criteria provided. Collection method: clinical testing. Allele origin: germline. Affected: yes. Study: VKGL Data-share Consensus. Not counted in ClinVar's aggregate classification.